The following is an entry in ClinVar:

ClinVar aggregate classification (germline): Uncertain significance (1 of 4 stars; one submission).

Conditions:
Inborn genetic diseases. Identifiers: MedGen C0950123, MeSH D030342.

gnomAD v4.1: 1 of 1,535,322 alleles (0.000065%); highest among the groups gnomAD compares: African/African-American, 0.0014%; no homozygotes.

Submission:

Ambry Genetics
Classification: Uncertain significance for Inborn genetic diseases. Last evaluated: 2025-04-05. Review status: criteria provided, single submitter. Criteria: Ambry Variant Classification Scheme 2023. Collection method: clinical testing. Allele origin: germline.
Comment: The p.N1400D variant (also known as c.4198A>G), located in coding exon 29 of the ANKRD26 gene, results from an A to G substitution at nucleotide position 4198. The asparagine at codon 1400 is replaced by aspartic acid, an amino acid with highly similar properties. This amino acid position is conserved. In addition, this alteration is predicted to be tolerated by in silico analysis. Based on the available evidence, the clinical significance of this variant remains unclear.

NM_014915.3(ANKRD26):c.4198A>G (p.Asn1400Asp)

Gene: ANKRD26 (ankyrin repeat domain containing 26; minus strand). Cytogenetic location: 10p12.1.
Variant type: single nucleotide variant.
Coding change: c.4198A>G on transcript NM_014915.3 (MANE Select); coding-DNA position 4198, A replaced by G.
Protein change: p.Asn1400Asp; replaces asparagine 1400 with aspartic acid.
Molecular consequence: missense variant.
Genome position (GRCh38, 1-based): chr10:27,022,575, T>C on the plus strand (A>G on the coding strand, the complement: ANKRD26 is on the minus strand). VCF-style: chr10-27022575-T-C. GRCh37 (hg19) VCF-style: chr10-27311504-T-C.
Other names: c.4195A>G, p.Asn1399Asp (NM_001256053.2); short protein forms N1399D, N1400D.
Identifiers: ClinVar variation 3913592 (VCV003913592.1).